The following is an entry in ClinVar:

ClinVar aggregate classification (germline): Uncertain significance (1 of 4 stars; one submission).

Conditions:
Adams-Oliver syndrome 5 (AOS5). Identifiers: Orphanet 974, MedGen C4014970, MONDO:0014459, OMIM 616028.

gnomAD v4.1: 2 of 1,612,576 alleles (0.00012%); highest among the groups gnomAD compares: Non-Finnish European, 0.00017%; no homozygotes.

Submission:

Labcorp Genetics (formerly Invitae), Labcorp
Classification: Uncertain significance for Adams-Oliver syndrome 5. Last evaluated: 2022-02-09. Review status: criteria provided, single submitter. Criteria: Invitae Variant Classification Sherloc (09022015). Collection method: clinical testing. Allele origin: germline.
Comment: This sequence change replaces glycine, which is neutral and non-polar, with alanine, which is neutral and non-polar, at codon 289 of the NOTCH1 protein (p.Gly289Ala). This variant is not present in population databases (gnomAD no frequency). This variant has not been reported in the literature in individuals affected with NOTCH1-related conditions. Algorithms developed to predict the effect of missense changes on protein structure and function (SIFT, PolyPhen-2, Align-GVGD) all suggest that this variant is likely to be disruptive. In summary, the available evidence is currently insufficient to determine the role of this variant in disease. Therefore, it has been classified as a Variant of Uncertain Significance.

NM_017617.5(NOTCH1):c.866G>C (p.Gly289Ala)

Gene: NOTCH1 (notch receptor 1; minus strand). Cytogenetic location: 9q34.3.
Variant type: single nucleotide variant.
Coding change: c.866G>C on transcript NM_017617.5 (MANE Select); coding-DNA position 866, G replaced by C.
Protein change: p.Gly289Ala; replaces glycine 289 with alanine.
Molecular consequence: missense variant.
Genome position (GRCh38, 1-based): chr9:136,518,824, C>G on the plus strand (G>C on the coding strand, the complement: NOTCH1 is on the minus strand). VCF-style: chr9-136518824-C-G. GRCh37 (hg19) VCF-style: chr9-139413276-C-G.
Other names: short protein forms G289A.
Identifiers: ClinVar variation 1975407 (VCV001975407.5), dbSNP rs2133371706, ClinGen allele CA375566074.
Genomic context (GRCh38, chr9:136,518,824, plus strand): 5'-CCGTTCTGGCAGGCATTTGGCATCAGCTGGCACTCGTCCACATCCTCGGTACAGTACTGA[C>G]CTGCAGGGAACAGGAGCTGTCGGCCCCGGGCAGCTGCCACTCCCTGAGCTCCCTGTCCCC-3'
Protein context (NP_060087.3, residues 279-299): YNCRCPPEWT[Gly289Ala]QYCTEDVDEC